The following is an entry in ClinVar:

ClinVar aggregate classification (germline): Uncertain significance. Review status: criteria provided, multiple submitters, no conflicts (2 of 4 stars). 2 submissions from 2 submitters: Uncertain significance (2). Last evaluated 2026-01-01.

Allele frequency attached by ClinVar (database versions not stated): gnomAD exomes below 0.00001; TOPMed below 0.00001.
gnomAD v4.1: 2 of 1,355,794 alleles (0.00015%); highest among the groups gnomAD compares: South Asian, 0.0013%; no homozygotes.

Submissions (2):

CeGaT Center for Human Genetics Tuebingen
Classification: Uncertain significance. Last evaluated: 2026-01-01. Review status: criteria provided, single submitter. Criteria: CeGaT Center For Human Genetics Tuebingen Variant Classification Criteria Version 2. Collection method: clinical testing. Allele origin: germline. Affected: yes. Observed: 1 variant allele.
Comment: BRSK1: PM2, PS2:Supporting

Ambry Genetics
Classification: Uncertain significance. Last evaluated: 2021-12-20. Review status: criteria provided, single submitter. Criteria: Ambry Variant Classification Scheme 2023. Collection method: clinical testing. Allele origin: germline.

NM_032430.2(BRSK1):c.2279G>A (p.Arg760His)

Genes: BRSK1 (BR serine/threonine kinase 1; plus strand), TMEM150B (transmembrane protein 150B; minus strand). Cytogenetic location: 19q13.42.
Variant type: single nucleotide variant.
Coding change: c.2279G>A on transcript NM_032430.2 (MANE Select); coding-DNA position 2279, G replaced by A.
Protein change: p.Arg760His; replaces arginine 760 with histidine.
Molecular consequence: missense variant.
Genome position (GRCh38, 1-based): chr19:55,312,010, G>A. VCF-style: chr19-55312010-G-A. GRCh37 (hg19) VCF-style: chr19-55823378-G-A.
Other names: short protein forms R760H.
Identifiers: ClinVar variation 2268364 (VCV002268364.6), dbSNP rs761104183, ClinGen allele CA9672758.